The following is an entry in ClinVar:

NM_001197104.2(KMT2A):c.1344T>C (p.Asn448=)

Gene: KMT2A (lysine methyltransferase 2A; plus strand). Cytogenetic location: 11q23.3.
Variant type: single nucleotide variant.
Coding change: c.1344T>C on transcript NM_001197104.2 (MANE Select); coding-DNA position 1344, T replaced by C.
Protein change: p.Asn448=; no amino-acid change (asparagine 448 retained).
Molecular consequence: synonymous variant.
Genome position (GRCh38, 1-based): chr11:118,472,503, T>C. VCF-style: chr11-118472503-T-C. GRCh37 (hg19) VCF-style: chr11-118343218-T-C.
Other names: c.1443T>C, p.Asn481= (NM_001412597.1); c.1344T>C, p.Asn448= (NM_005933.4).
Identifiers: ClinVar variation 3620961 (VCV003620961.4).

ClinVar aggregate classification (germline): Likely benign. Review status: criteria provided, multiple submitters, no conflicts (2 of 4 stars). 3 submissions from 3 submitters: Likely benign (3). Last evaluated 2026-09-18.

Conditions:
KMT2A-related disorder. Also called: KMT2A-related condition.

Submissions (3):

PreventionGenetics, part of Exact Sciences
Classification: Likely benign for KMT2A-related condition. Last evaluated: 2026-09-18. Review status: criteria provided, single submitter. Criteria: ACMG Guidelines, 2015. Collection method: clinical testing. Allele origin: germline.
Comment: This variant is classified as likely benign based on ACMG/AMP sequence variant interpretation guidelines (Richards et al. 2015 PMID: 25741868, with internal and published modifications).

Labcorp Genetics (formerly Invitae), Labcorp
Classification: Likely benign. Last evaluated: 2024-11-11. Review status: criteria provided, single submitter. Criteria: Invitae Variant Classification Sherloc (09022015). Collection method: clinical testing. Allele origin: germline.

Blueprint Genetics
Classification: Likely benign. Last evaluated: 2023-08-22. Review status: criteria provided, single submitter. Criteria: ACMG Guidelines, 2015. Collection method: clinical testing. Allele origin: germline.